The following is an entry in ClinVar:

NM_001083962.2(TCF4):c.1521dup (p.Ser508fs)

Gene: TCF4 (transcription factor 4; minus strand). Cytogenetic location: 18q21.2.
Variant type: Duplication.
Coding change: c.1521dup on transcript NM_001083962.2 (MANE Select); coding-DNA position 1521, one base duplicated (C; older notation c.1521dupC).
Protein change: p.Ser508fs; shifts the reading frame from serine 508.
Molecular consequence: frameshift variant.
Genome position (GRCh38, 1-based): chr18:55,232,637, G duplicated on the plus strand (C on the coding strand, the reverse complement: TCF4 is on the minus strand); the first of 2 consecutive G bases (chr18:55,232,637-55,232,638); duplicating either gives the same sequence. VCF-style (leftmost placement, unchanged base first): chr18-55232636-A-AG. GRCh37 (hg19) VCF-style: chr18-52899867-A-AG.
Other names: c.1827dup, p.Ser610fs (NM_001243226.3); c.1449dup, p.Ser484fs (NM_001243227.2, NM_001306207.1, NM_001348217.1 and 5 more transcripts); c.1539dup, p.Ser514fs (NM_001243228.2); c.1512dup, p.Ser505fs (NM_001243230.2); c.1395dup, p.Ser466fs (NM_001243231.2, NM_001348211.2); c.1308dup, p.Ser437fs (NM_001243232.1, NM_001306208.1); c.1131dup, p.Ser378fs (NM_001243233.2, NM_001330605.3, NM_001348212.2 and 1 more transcripts); c.1041dup, p.Ser348fs (NM_001243234.2, NM_001243235.2, NM_001243236.2 and 1 more transcripts); and 6 more; short protein forms S292fs, S347fs, S348fs, S378fs, S437fs, S466fs, S483fs, S484fs.
Identifiers: ClinVar variation 4876765 (VCV004876765.1).

ClinVar aggregate classification (germline): Pathogenic (1 of 4 stars; one submission).

Conditions:
Pitt-Hopkins syndrome (PTHS). Also called: ENCEPHALOPATHY, SEVERE EPILEPTIC, WITH AUTONOMIC DYSFUNCTION; MENTAL RETARDATION, SYNDROMAL, WITH INTERMITTENT HYPERVENTILATION. Identifiers: Orphanet 2896, MedGen C1970431, MONDO:0012589, OMIM 610954.

Submission:

Human Genetics Bochum, Ruhr University Bochum
Classification: Pathogenic for Pitt-Hopkins syndrome. Last evaluated: 2026-06-17. Review status: criteria provided, single submitter. Criteria: ACMG Guidelines, 2015. Collection method: clinical testing. Allele origin: germline. Affected: yes.
Comment: de novo; ACMG criteria used to clasify this variant: PVS1, PM2_SUP, PS2